The following is an entry in ClinVar:

ClinVar aggregate classification (germline): Uncertain significance (1 of 4 stars; one submission).

Conditions:
Hydrolethalus syndrome 1 (HLS1). Identifiers: Orphanet 2189, MedGen C1856016, MONDO:0009365, OMIM 236680.

gnomAD v4.1: 11 of 1,614,006 alleles (0.00068%); highest among the groups gnomAD compares: East Asian, 0.022%; no homozygotes.

Submission:

Myriad Genetics, Inc.
Classification: Uncertain significance for Hydrolethalus syndrome 1. Last evaluated: 2026-01-29. Review status: criteria provided, single submitter. Criteria: Myriad Autosomal Dominant, Autosomal Recessive and X-Linked Classification Criteria (2023). Collection method: clinical testing. Allele origin: unknown.
Comment: NM_145014.2(HYLS1):c.3G>T(M1?) is an initiation codon variant classified as a variant of uncertain significance in the context of hydrolethalus syndrome. M1? has not been observed in cases with relevant disease. Relevant functional assessments of this variant are not available in the literature. M1? has been observed in referenced population frequency databases. In summary, there is insufficient evidence to classify NM_145014.2(HYLS1):c.3G>T(M1?) as pathogenic or benign. Please note: this variant was assessed in the context of healthy population screening.

NM_001134793.2(HYLS1):c.3G>T (p.Met1Ile)

Genes: HYLS1 (HYLS1 centriolar and ciliogenesis associated; plus strand), PUS3 (pseudouridine synthase 3; minus strand). Cytogenetic location: 11q24.2.
Variant type: single nucleotide variant.
Coding change: c.3G>T on transcript NM_001134793.2 (MANE Select); coding-DNA position 3, G replaced by T.
Protein change: p.Met1Ile; changes the start codon (methionine 1).
Molecular consequence: missense variant, initiator codon variant. On other transcripts: intron variant (7).
Genome position (GRCh38, 1-based): chr11:125,899,371, G>T. VCF-style: chr11-125899371-G-T. GRCh37 (hg19) VCF-style: chr11-125769266-G-T.
Other names: c.3G>T, p.Met1Ile (NM_001377269.1, NM_001377270.1, NM_001424364.1 and 1 more transcripts); c.-246-3582C>A (NM_001271985.2); c.-46-3041C>A (NM_001441241.1, NM_001441239.1, NM_031307.4); c.-247+1308C>A (NM_001441238.1); c.-47+1308C>A (NM_001441240.1, NM_001441237.1); short protein forms M1I.
Identifiers: ClinVar variation 5003315 (VCV005003315.1).